The following is an entry in ClinVar:

NM_201253.3(CRB1):c.-2C>T

Gene: CRB1 (crumbs cell polarity complex component 1; plus strand). Cytogenetic location: 1q31.3.
Variant type: single nucleotide variant.
Coding change: c.-2C>T on transcript NM_201253.3 (MANE Select); 2 bases upstream of the start codon, C replaced by T.
Molecular consequence: 5 prime UTR variant. On other transcripts: non-coding transcript variant (2), intron variant (1).
Genome position (GRCh38, 1-based): chr1:197,268,411, C>T. VCF-style: chr1-197268411-C-T. GRCh37 (hg19) VCF-style: chr1-197237541-C-T.
Other names: c.-2C>T (NM_201253.2, NM_001193640.2, NM_001257966.2); c.-212-34029C>T (NM_001257965.2).
Identifiers: ClinVar variation 4925972 (VCV004925972.2).

ClinVar aggregate classification (germline): Likely benign. Review status: criteria provided, multiple submitters, no conflicts (2 of 4 stars). 2 submissions from 2 submitters: Likely benign (2). Last evaluated 2024-12-27.

Conditions:
CRB1-related disorder. Also called: CRB1-related condition; CRB1-related disorders.

gnomAD v4.1: 30 of 1,605,148 alleles (0.0019%); highest among the groups gnomAD compares: Admixed American, 0.012%; no homozygotes.

Submissions (2):

PreventionGenetics, part of Exact Sciences
Classification: Likely benign for CRB1-related condition. Last evaluated: 2024-12-27. Review status: criteria provided, single submitter. Criteria: ACMG Guidelines, 2015. Collection method: clinical testing. Allele origin: germline.
Comment: This variant is classified as likely benign based on ACMG/AMP sequence variant interpretation guidelines (Richards et al. 2015 PMID: 25741868, with internal and published modifications).

Blueprint Genetics
Classification: Likely benign. Last evaluated: 2023-03-30. Review status: criteria provided, single submitter. Criteria: ACMG Guidelines, 2015. Collection method: clinical testing. Allele origin: germline.